The following is an entry in ClinVar:

NM_001614.5(ACTG1):c.409C>G (p.Gln137Glu)

Gene: ACTG1 (actin gamma 1; minus strand). Cytogenetic location: 17q25.3.
Variant type: single nucleotide variant.
Coding change: c.409C>G on transcript NM_001614.5 (MANE Select); coding-DNA position 409, C replaced by G.
Protein change: p.Gln137Glu; replaces glutamine 137 with glutamic acid.
Molecular consequence: missense variant. On other transcripts: non-coding transcript variant (1).
Genome position (GRCh38, 1-based): chr17:81,511,581, G>C on the plus strand (C>G on the coding strand, the complement: ACTG1 is on the minus strand). VCF-style: chr17-81511581-G-C. GRCh37 (hg19) VCF-style: chr17-79478607-G-C.
Other names: c.409C>G, p.Gln137Glu (NM_001199954.3); short protein forms Q137E.
Identifiers: ClinVar variation 228433 (VCV000228433.4), dbSNP rs876657741, ClinGen allele CA10577202.
Genomic context (GRCh38, chr17:81,511,581, plus strand): 5'-CTCCAGAGTCCATGACAATGCCAGTGGTGCGCCCAGAGGCGTAGAGGGACAGCACGGCCT[G>C]GATGGCCACGTACATGGCCGGGGTGTTGAAGGTCTCAAACATAATCTGAGAAGGGACAAG-3'
Protein context (NP_001605.1, residues 127-147): FNTPAMYVAI[Gln137Glu]AVLSLYASGR

ClinVar aggregate classification (germline): Uncertain significance (1 of 4 stars; one submission).

Submission:

Laboratory for Molecular Medicine, Mass General Brigham Personalized Medicine
Classification: Uncertain significance. Last evaluated: 2015-06-08. Review status: criteria provided, single submitter. Criteria: LMM Criteria. Collection method: clinical testing. Allele origin: germline. Observed: 1 variant allele.
Comment: The p.Gln137Glu variant in ACTG1 has not been previously reported in individuals with hearing loss and was absent from large population studies. Computational p rediction tools and conservation analyses suggest that the p.Gln137Glu variant m ay impact the protein, though this information is not predictive enough to deter mine pathogenicity. In summary, the clinical significance of the p.Gln137Glu va riant is uncertain.